The following is an entry in ClinVar:

NM_052947.4(ALPK2):c.4027G>A (p.Val1343Met)

Genes: ALPK2 (alpha kinase 2; minus strand), LOC126862764 (BRD4-independent group 4 enhancer GRCh37_chr18:56202574-56203773; plus strand). Cytogenetic location: 18q21.31.
Variant type: single nucleotide variant.
Coding change: c.4027G>A on transcript NM_052947.4 (MANE Select); coding-DNA position 4027, G replaced by A.
Protein change: p.Val1343Met; replaces valine 1343 with methionine.
Molecular consequence: missense variant.
Genome position (GRCh38, 1-based): chr18:58,536,160, C>T on the plus strand (G>A on the coding strand, the complement: ALPK2 is on the minus strand). VCF-style: chr18-58536160-C-T. GRCh37 (hg19) VCF-style: chr18-56203392-C-T.
Other names: short protein forms V1343M.
Identifiers: ClinVar variation 1737152 (VCV001737152.3), dbSNP rs1457432605, ClinGen allele CA402564709.

ClinVar aggregate classification (germline): Uncertain significance (1 of 4 stars; one submission).

Allele frequency attached by ClinVar (database versions not stated): gnomAD exomes 0.00001.
gnomAD v4.1: 11 of 1,614,132 alleles (0.00068%); highest among the groups gnomAD compares: East Asian, 0.0045%; no homozygotes.

Submission:

Ambry Genetics
Classification: Uncertain significance. Last evaluated: 2024-05-28. Review status: criteria provided, single submitter. Criteria: Ambry Variant Classification Scheme 2023. Collection method: clinical testing. Allele origin: germline.
Comment: The p.V1343M variant (also known as c.4027G>A), located in coding exon 4 of the ALPK2 gene, results from a G to A substitution at nucleotide position 4027. The valine at codon 1343 is replaced by methionine, an amino acid with highly similar properties. This amino acid position is conserved. In addition, this alteration is predicted to be tolerated by in silico analysis. Since supporting evidence is limited at this time, the clinical significance of this alteration remains unclear.